The following is an entry in ClinVar:

NM_002485.5(NBN):c.817_848dup (p.Pro283_Asp284insGlnGluTer)

Gene: NBN (nibrin; minus strand). Cytogenetic location: 8q21.3.
Variant type: Duplication.
Coding change: c.817_848dup on transcript NM_002485.5 (MANE Select); coding-DNA positions 817 to 848, 32 bases duplicated.
Protein change: p.Pro283_Asp284insGlnGluTer.
Molecular consequence: nonsense, inframe insertion.
Genome position (GRCh38, 1-based): chr8:89,970,412-89,970,443, 32 bases duplicated. GRCh37 (hg19): chr8:90,982,640-90,982,671.
Other names: c.817_848dupACAGGAATAACAAACTCACAGACCTTAATTCC (NM_002485.4); c.571_602dup, p.Pro201_Asp202insGlnGluTer (NM_001024688.3).
Identifiers: ClinVar variation 234849 (VCV000234849.4), dbSNP rs876661254, ClinGen allele CA10577366.

ClinVar aggregate classification (germline): Likely pathogenic (1 of 4 stars; one submission).

Submission:

GeneDx
Classification: Likely pathogenic. Last evaluated: 2021-11-18. Review status: criteria provided, single submitter. Criteria: GeneDx Variant Classification Process June 2021. Collection method: clinical testing. Allele origin: germline. Affected: yes.
Comment: Frameshift variant predicted to result in protein truncation or nonsense mediated decay in a gene for which loss-of-function is a known mechanism of disease; Not observed at significant frequency in large population cohorts (Lek et al., 2016); Has not been previously published as pathogenic or benign to our knowledge